The following is an entry in ClinVar:

ClinVar aggregate classification (germline): Uncertain significance (1 of 4 stars; one submission).

Conditions:
Zellweger spectrum disorders (ZS). Also called: Zellweger Spectrum Disorder; Zellweger Spectrum; Zellweger syndrome; Zellweger Spectrum Disorder (ZSD). Identifiers: Orphanet 912, MedGen C0043459, MONDO:0019609.

Submission:

Labcorp Genetics (formerly Invitae), Labcorp
Classification: Uncertain significance for Zellweger spectrum disorders. Last evaluated: 2022-08-19. Review status: criteria provided, single submitter. Criteria: Invitae Variant Classification Sherloc (09022015). Collection method: clinical testing. Allele origin: germline.
Comment: In summary, the available evidence is currently insufficient to determine the role of this variant in disease. Therefore, it has been classified as a Variant of Uncertain Significance. Advanced modeling of protein sequence and biophysical properties (such as structural, functional, and spatial information, amino acid conservation, physicochemical variation, residue mobility, and thermodynamic stability) performed at Invitae indicates that this missense variant is not expected to disrupt PEX1 protein function. This variant has not been reported in the literature in individuals affected with PEX1-related conditions. This variant is not present in population databases (gnomAD no frequency). This sequence change replaces serine, which is neutral and polar, with glycine, which is neutral and non-polar, at codon 67 of the PEX1 protein (p.Ser67Gly).

NM_000466.3(PEX1):c.199A>G (p.Ser67Gly)

Gene: PEX1 (peroxisomal biogenesis factor 1; minus strand). Cytogenetic location: 7q21.2.
Variant type: single nucleotide variant.
Coding change: c.199A>G on transcript NM_000466.3 (MANE Select); coding-DNA position 199, A replaced by G.
Protein change: p.Ser67Gly; replaces serine 67 with glycine.
Molecular consequence: missense variant. On other transcripts: 5 prime UTR variant (1).
Genome position (GRCh38, 1-based): chr7:92,522,176, T>C on the plus strand (A>G on the coding strand, the complement: PEX1 is on the minus strand). VCF-style: chr7-92522176-T-C. GRCh37 (hg19) VCF-style: chr7-92151490-T-C.
Other names: c.199A>G, p.Ser67Gly (NM_001282677.2); c.-461A>G (NM_001282678.2); short protein forms S67G.
Identifiers: ClinVar variation 2413349 (VCV002413349.6), dbSNP rs1793077630, ClinGen allele CA368204974.
Genomic context (GRCh38, chr7:92,522,176, plus strand): 5'-AGAGTCCAAGTTTTTGACCAACTTGTCTGTTAATTTCAGCCACATTTTCACCTTGATCAC[T>C]AAAATGCCTGCCTTCCACCCAGCTCAAGAATGCAGGCTGGTGACTCCAGACCACTTCTAT-3'
Protein context (NP_000457.1, residues 57-77): FLSWVEGRHF[Ser67Gly]DQGENVAEIN